The following is an entry in ClinVar:

ClinVar aggregate classification (germline): Uncertain significance (1 of 4 stars; one submission).

Conditions:
Cryopyrin associated periodic syndrome (CAPS). Identifiers: Orphanet 208650, MedGen C2316212, MONDO:0016168.

gnomAD v4.1: 2 of 1,608,098 alleles (0.00012%); highest among the groups gnomAD compares: Middle Eastern, 0.033%; no homozygotes.

Submission:

Labcorp Genetics (formerly Invitae), Labcorp
Classification: Uncertain significance for Cryopyrin associated periodic syndrome. Last evaluated: 2022-10-05. Review status: criteria provided, single submitter. Criteria: Invitae Variant Classification Sherloc (09022015). Collection method: clinical testing. Allele origin: germline.
Comment: In summary, the available evidence is currently insufficient to determine the role of this variant in disease. Therefore, it has been classified as a Variant of Uncertain Significance. Advanced modeling of protein sequence and biophysical properties (such as structural, functional, and spatial information, amino acid conservation, physicochemical variation, residue mobility, and thermodynamic stability) performed at Invitae indicates that this missense variant is not expected to disrupt NLRP3 protein function. ClinVar contains an entry for this variant (Variation ID: 957961). This variant has not been reported in the literature in individuals affected with NLRP3-related conditions. This variant is not present in population databases (gnomAD no frequency). This sequence change replaces histidine, which is basic and polar, with tyrosine, which is neutral and polar, at codon 465 of the NLRP3 protein (p.His465Tyr).

NM_001243133.2(NLRP3):c.1387C>T (p.His463Tyr)

Gene: NLRP3 (NLR family pyrin domain containing 3; plus strand). Cytogenetic location: 1q44.
Variant type: single nucleotide variant.
Coding change: c.1387C>T on transcript NM_001243133.2 (MANE Select); coding-DNA position 1387, C replaced by T.
Protein change: p.His463Tyr; replaces histidine 463 with tyrosine.
Molecular consequence: missense variant.
Genome position (GRCh38, 1-based): chr1:247,424,836, C>T. VCF-style: chr1-247424836-C-T. GRCh37 (hg19) VCF-style: chr1-247588138-C-T.
Other names: c.1387C>T, p.His463Tyr (NM_001079821.3, NM_001127461.3, NM_001127462.3 and 1 more transcripts); c.1393C>T, p.His465Tyr (NM_004895.5); short protein forms H463Y, H465Y.
Identifiers: ClinVar variation 957961 (VCV000957961.9), dbSNP rs766893777, ClinGen allele CA345556771.
Genomic context (GRCh38, chr1:247,424,836, plus strand): 5'-TTCTTCCTTTCCAGTTTGCTGCAGCCCCGGGGAGGGAGCCAGGAGCACGGCCTCTGCGCC[C>T]ACCTCTGGGGGCTCTGCTCTTTGGCTGCAGATGGAATCTGGAACCAGAAAATCCTGTTTG-3'
Protein context (NP_001230062.1, residues 453-473): GGSQEHGLCA[His463Tyr]LWGLCSLAAD